The following is an entry in ClinVar:

ClinVar aggregate classification (germline): Uncertain significance (1 of 4 stars; one submission).

Conditions:
Vitelliform macular dystrophy 2. Also called: Best Macular Dystrophy; MACULAR DEGENERATION, POLYMORPHIC VITELLINE; Best Vitelliform Macular Dystrophy (BVMD); Best vitelliform macular dystrophy, multifocal; VITELLIFORM MACULAR DYSTROPHY, EARLY-ONSET; VITELLIFORM MACULAR DYSTROPHY, JUVENILE-ONSET. Identifiers: Orphanet 1243, MedGen C2745945, MONDO:0007931, OMIM 153700.

Submission:

3billion
Classification: Uncertain significance for Vitelliform macular dystrophy 2. Last evaluated: 2024-09-29. Review status: criteria provided, single submitter. Criteria: ACMG Guidelines, 2015. Collection method: clinical testing. Allele origin: germline. Affected: yes.
Comment: The variant is not observed in the gnomAD v4.1.0 dataset. Predicted Consequence/Location: Missense variant In silico tool predictions suggest damaging effect of the variant on gene or gene product [REVEL: 0.88 (>=0.6, sensitivity 0.68 and specificity 0.92); 3Cnet: 0.97 (>=0.6, sensitivity 0.72 and precision 0.9)]. Different missense changes at the same codon (p.Tyr33Cys, p.Tyr33His) have been reported to be associated with BEST1 related disorder (ClinVar ID: VCV000866513 /PMID: 25489231, 35973442). However the evidence of pathogenicity is insufficient at this time. Therefore, this variant is classified as VUS according to the recommendation of ACMG/AMP guideline.

Literature cited by the submitters: PubMed 25489231.

NM_004183.4(BEST1):c.98A>T (p.Tyr33Phe)

Gene: BEST1 (bestrophin 1; plus strand). Cytogenetic location: 11q12.3.
Variant type: single nucleotide variant.
Coding change: c.98A>T on transcript NM_004183.4 (MANE Select); coding-DNA position 98, A replaced by T.
Protein change: p.Tyr33Phe; replaces tyrosine 33 with phenylalanine.
Molecular consequence: missense variant. On other transcripts: non-coding transcript variant (1), intron variant (6).
Genome position (GRCh38, 1-based): chr11:61,951,904, A>T. VCF-style: chr11-61951904-A-T. GRCh37 (hg19) VCF-style: chr11-61719376-A-T.
Other names: c.98A>T, p.Tyr33Phe (NM_001363592.2, NM_001440571.1, NM_001440572.1 and 1 more transcripts); c.-29+1477A>T (NM_001139443.3, NM_001300787.2, NM_001440574.1 and 3 more transcripts); short protein forms Y33F.
Identifiers: ClinVar variation 4291972 (VCV004291972.1).